The following is an entry in ClinVar:

NM_001199799.2(ILDR1):c.336G>A (p.Val112=)

Gene: ILDR1 (immunoglobulin like domain containing receptor 1; minus strand). Cytogenetic location: 3q13.33.
Variant type: single nucleotide variant.
Coding change: c.336G>A on transcript NM_001199799.2 (MANE Select); coding-DNA position 336, G replaced by A.
Protein change: p.Val112=; no amino-acid change (valine 112 retained).
Molecular consequence: synonymous variant.
Genome position (GRCh38, 1-based): chr3:122,005,287, C>T on the plus strand (G>A on the coding strand, the complement: ILDR1 is on the minus strand). VCF-style: chr3-122005287-C-T. GRCh37 (hg19) VCF-style: chr3-121724134-C-T.
Other names: c.336G>A, p.Val112= (NM_001199800.2, NM_175924.4).
Identifiers: ClinVar variation 4991823 (VCV004991823.1).

ClinVar aggregate classification (germline): Likely benign (1 of 4 stars; one submission).

Conditions:
ILDR1-related disorder. Also called: ILDR1-related condition.

gnomAD v4.1: 14 of 1,613,660 alleles (0.00087%); highest among the groups gnomAD compares: Admixed American, 0.023%; no homozygotes.

Submission:

PreventionGenetics, part of Exact Sciences
Classification: Likely benign for ILDR1-related condition. Last evaluated: 2026-06-21. Review status: criteria provided, single submitter. Criteria: ACMG Guidelines, 2015. Collection method: clinical testing. Allele origin: germline.
Comment: This variant is classified as likely benign based on ACMG/AMP sequence variant interpretation guidelines (Richards et al. 2015 PMID: 25741868, with internal and published modifications).